The following is an entry in ClinVar:

ClinVar aggregate classification (germline): Uncertain significance. Review status: criteria provided, multiple submitters, no conflicts (2 of 4 stars). 3 submissions from 3 submitters: Uncertain significance (3). Last evaluated 2025-11-08.

Conditions:
Inborn genetic diseases. Identifiers: MedGen C0950123, MeSH D030342.
Combined immunodeficiency due to ZAP70 deficiency (IMD48). Also called: ZAP70 Deficiency; Immunodeficiency 48. Identifiers: Orphanet 911, MedGen C2931299, MONDO:0010023, OMIM 269840.

Allele frequency attached by ClinVar (database versions not stated): gnomAD exomes below 0.00001 and 0.00002; ExAC 0.00001; ESP Exome Variant Server 0.00008; TOPMed 0.00001; gnomAD 0.00003.
gnomAD v4.1: 31 of 1,613,418 alleles (0.0019%); highest among the groups gnomAD compares: Middle Eastern, 0.016%; 1 homozygote.

Submissions (3):

Ambry Genetics
Classification: Uncertain significance for Inborn genetic diseases. Last evaluated: 2025-11-08. Review status: criteria provided, single submitter. Criteria: Ambry Variant Classification Scheme 2023. Collection method: clinical testing. Allele origin: germline.

Labcorp Genetics (formerly Invitae), Labcorp
Classification: Uncertain significance for Combined immunodeficiency due to ZAP70 deficiency. Last evaluated: 2022-08-16. Review status: criteria provided, single submitter. Criteria: Invitae Variant Classification Sherloc (09022015). Collection method: clinical testing. Allele origin: germline.
Comment: This sequence change replaces threonine, which is neutral and polar, with isoleucine, which is neutral and non-polar, at codon 611 of the ZAP70 protein (p.Thr611Ile). This variant is present in population databases (rs371359430, gnomAD 0.002%). This variant has not been reported in the literature in individuals affected with ZAP70-related conditions. ClinVar contains an entry for this variant (Variation ID: 337639). Algorithms developed to predict the effect of missense changes on protein structure and function are either unavailable or do not agree on the potential impact of this missense change (SIFT: "Not Available"; PolyPhen-2: "Benign"; Align-GVGD: "Not Available"). In summary, the available evidence is currently insufficient to determine the role of this variant in disease. Therefore, it has been classified as a Variant of Uncertain Significance.

Illumina Laboratory Services, Illumina
Classification: Uncertain significance for Combined immunodeficiency due to ZAP70 deficiency. Last evaluated: 2018-01-13. Review status: criteria provided, single submitter. Criteria: ICSL Variant Classification Criteria 13 December 2019. Collection method: clinical testing. Allele origin: germline.

NM_001079.4(ZAP70):c.1832C>T (p.Thr611Ile)

Gene: ZAP70 (zeta chain of T cell receptor associated protein kinase 70; plus strand). Cytogenetic location: 2q11.2.
Variant type: single nucleotide variant.
Coding change: c.1832C>T on transcript NM_001079.4 (MANE Select); coding-DNA position 1832, C replaced by T.
Protein change: p.Thr611Ile; replaces threonine 611 with isoleucine.
Molecular consequence: missense variant.
Genome position (GRCh38, 1-based): chr2:97,739,470, C>T. VCF-style: chr2-97739470-C-T. GRCh37 (hg19) VCF-style: chr2-98355933-C-T.
Other names: c.1832C>T, p.Thr611Ile (NM_001378594.1); c.911C>T, p.Thr304Ile (NM_207519.2); short protein forms T611I, T304I.
Identifiers: ClinVar variation 337639 (VCV000337639.13), dbSNP rs371359430, ClinGen allele CA1790585.